The following is an entry in ClinVar:

ClinVar aggregate classification (germline): Uncertain significance (1 of 4 stars; one submission).

gnomAD v4.1: 1 of 1,613,616 alleles (0.000062%); highest among the groups gnomAD compares: South Asian, 0.0011%; no homozygotes.

Submission:

Labcorp Genetics (formerly Invitae), Labcorp
Classification: Uncertain significance. Last evaluated: 2025-02-06. Review status: criteria provided, single submitter. Criteria: Invitae Variant Classification Sherloc (09022015). Collection method: clinical testing. Allele origin: germline.
Comment: This sequence change replaces isoleucine, which is neutral and non-polar, with methionine, which is neutral and non-polar, at codon 574 of the LONP1 protein (p.Ile574Met). This variant is not present in population databases (gnomAD no frequency). This variant has not been reported in the literature in individuals affected with LONP1-related conditions. Invitae Evidence Modeling of protein sequence and biophysical properties (such as structural, functional, and spatial information, amino acid conservation, physicochemical variation, residue mobility, and thermodynamic stability) indicates that this missense variant is not expected to disrupt LONP1 protein function with a negative predictive value of 95%. In summary, the available evidence is currently insufficient to determine the role of this variant in disease. Therefore, it has been classified as a Variant of Uncertain Significance.

NM_004793.4(LONP1):c.1722C>G (p.Ile574Met)

Gene: LONP1 (lon peptidase 1, mitochondrial; minus strand). Cytogenetic location: 19p13.3.
Variant type: single nucleotide variant.
Coding change: c.1722C>G on transcript NM_004793.4 (MANE Select); coding-DNA position 1722, C replaced by G.
Protein change: p.Ile574Met; replaces isoleucine 574 with methionine.
Molecular consequence: missense variant. On other transcripts: non-coding transcript variant (1).
Genome position (GRCh38, 1-based): chr19:5,696,721, G>C on the plus strand (C>G on the coding strand, the complement: LONP1 is on the minus strand). VCF-style: chr19-5696721-G-C. GRCh37 (hg19) VCF-style: chr19-5696732-G-C.
Other names: c.1530C>G, p.Ile510Met (NM_001276479.2); c.1134C>G, p.Ile378Met (NM_001276480.1); short protein forms I510M, I574M, I378M.
Identifiers: ClinVar variation 3643433 (VCV003643433.2).